The following is an entry in ClinVar:

NM_000722.4(CACNA2D1):c.2395+147T>C

Gene: CACNA2D1 (calcium voltage-gated channel auxiliary subunit alpha2delta 1; minus strand). Cytogenetic location: 7q21.11.
Variant type: single nucleotide variant.
Coding change: c.2395+147T>C on transcript NM_000722.4 (MANE Select); 147 bases into the intron after coding-DNA position 2395, T replaced by C.
Molecular consequence: intron variant.
Genome position (GRCh38, 1-based): chr7:81,968,740, A>G on the plus strand (T>C on the coding strand, the complement: CACNA2D1 is on the minus strand). VCF-style: chr7-81968740-A-G. GRCh37 (hg19) VCF-style: chr7-81598056-A-G.
Other names: c.2431+147T>C (NM_001366867.1).
Identifiers: ClinVar variation 674636 (VCV000674636.1), dbSNP rs73379519, ClinGen allele CA15498201.
Genomic context (GRCh38, chr7:81,968,740, plus strand): 5'-TTCCTCAAATCTATGTAGTATCAATTTGATTTTATCCCAACTTCAGAGGTAACTAGTCAT[A>G]TTTTATTTAATTTTTTTAAGTGTGCATGCCTTTATTTTGTTTGACACCTTTTGATGACCT-3'

ClinVar aggregate classification (germline): Benign (1 of 4 stars; one submission).

Allele frequency attached by ClinVar (database versions not stated): 1000 Genomes Project 0.07608; 1000 Genomes Project 30x 0.07886; gnomAD exomes 0.08199; TOPMed 0.08237; gnomAD 0.08703 and 0.08790.
gnomAD v4.1: 48,764 of 588,328 alleles (8.3%); highest among the groups gnomAD compares: Non-Finnish European, 8.8%; 2,244 homozygotes.

Submission:

GeneDx
Classification: Benign. Last evaluated: 2018-06-14. Review status: criteria provided, single submitter. Criteria: GeneDx Variant Classification (06012015). Collection method: clinical testing. Allele origin: germline. Affected: yes.
Comment: This variant is considered likely benign or benign based on one or more of the following criteria: it is a conservative change, it occurs at a poorly conserved position in the protein, it is predicted to be benign by multiple in silico algorithms, and/or has population frequency not consistent with disease.